The following is an entry in ClinVar:

ClinVar aggregate classification (germline): Uncertain significance. Review status: criteria provided, multiple submitters, no conflicts (2 of 4 stars). 2 submissions from 2 submitters: Uncertain significance (2). Last evaluated 2023-12-20.

Conditions:
Gorlin syndrome. Also called: Basal cell nevus syndrome; Nevoid Basal Cell Carcinoma Syndrome. Identifiers: Orphanet 377, MedGen C0004779, MONDO:0007187.
Medulloblastoma (MDB). Also called: MEDULLOBLASTOMA PREDISPOSITION SYNDROME; Medulloblastoma, somatic. Identifiers: Orphanet 616, MedGen C0025149, MeSH D008527, MONDO:0007959, OMIM 155255, HP:0002885.
Hereditary cancer-predisposing syndrome. Also called: Neoplastic Syndromes, Hereditary; Hereditary Cancer Syndrome; Tumor predisposition; Hereditary neoplastic syndrome. Identifiers: Orphanet 140162, MedGen C0027672, MeSH D009386, MONDO:0015356.

Submissions (2):

Ambry Genetics
Classification: Uncertain significance for Hereditary cancer-predisposing syndrome. Last evaluated: 2023-12-20. Review status: criteria provided, single submitter. Criteria: Ambry Variant Classification Scheme 2023. Collection method: clinical testing. Allele origin: germline.
Comment: The p.P46L variant (also known as c.137C>T), located in coding exon 1 of the SUFU gene, results from a C to T substitution at nucleotide position 137. The proline at codon 46 is replaced by leucine, an amino acid with similar properties. This amino acid position is conserved. In addition, this alteration is predicted to be deleterious by in silico analysis. Since supporting evidence is limited at this time, the clinical significance of this alteration remains unclear.

Labcorp Genetics (formerly Invitae), Labcorp
Classification: Uncertain significance for Gorlin syndrome; Medulloblastoma. Last evaluated: 2022-07-19. Review status: criteria provided, single submitter. Criteria: Invitae Variant Classification Sherloc (09022015). Collection method: clinical testing. Allele origin: germline.
Comment: In summary, the available evidence is currently insufficient to determine the role of this variant in disease. Therefore, it has been classified as a Variant of Uncertain Significance. Algorithms developed to predict the effect of missense changes on protein structure and function are either unavailable or do not agree on the potential impact of this missense change (SIFT: "Deleterious"; PolyPhen-2: "Possibly Damaging"; Align-GVGD: "Class C0"). ClinVar contains an entry for this variant (Variation ID: 1431955). This variant has not been reported in the literature in individuals affected with SUFU-related conditions. This variant is not present in population databases (gnomAD no frequency). This sequence change replaces proline, which is neutral and non-polar, with leucine, which is neutral and non-polar, at codon 46 of the SUFU protein (p.Pro46Leu).

NM_016169.4(SUFU):c.137C>T (p.Pro46Leu)

Gene: SUFU (SUFU negative regulator of hedgehog signaling; plus strand). Cytogenetic location: 10q24.32.
Variant type: single nucleotide variant.
Coding change: c.137C>T on transcript NM_016169.4 (MANE Select); coding-DNA position 137, C replaced by T.
Protein change: p.Pro46Leu; replaces proline 46 with leucine.
Molecular consequence: missense variant.
Genome position (GRCh38, 1-based): chr10:102,504,289, C>T. VCF-style: chr10-102504289-C-T. GRCh37 (hg19) VCF-style: chr10-104264046-C-T.
Other names: c.137C>T, p.Pro46Leu (NM_001178133.2); c.137C>T (NM_016169.3); short protein forms P46L.
Identifiers: ClinVar variation 1431955 (VCV001431955.7), dbSNP rs2135598488, ClinGen allele CA377886599.